The following is an entry in ClinVar:

NM_175929.3(FGF14):c.208+107491A>G

Genes: FGF14 (fibroblast growth factor 14; minus strand), FGF14-IT1 (FGF14 intronic transcript 1; minus strand). Cytogenetic location: 13q33.1.
Variant type: single nucleotide variant.
Coding change: c.208+107491A>G on transcript NM_175929.3 (MANE Plus Clinical); 107491 bases into the intron after coding-DNA position 208, A replaced by G.
Molecular consequence: intron variant. On other transcripts: missense variant (1), initiator codon variant (1), non-coding transcript variant (1).
Genome position (GRCh38, 1-based): chr13:102,293,980, T>C on the plus strand (A>G on the coding strand, the complement: FGF14 is on the minus strand). VCF-style: chr13-102293980-T-C. GRCh37 (hg19) VCF-style: chr13-102946330-T-C.
Other names: c.1A>G, p.Met1Val (NM_001321941.2); c.52+107491A>G (NM_001321947.2); c.91+107491A>G (NM_001379342.1, NM_001321948.2, NM_001321945.2); c.-60+72465A>G (NM_001321946.2, NM_001321949.1); c.-224-73047A>G (NM_001321938.2, NM_001321940.1); c.208+107491A>G (NM_001321939.2, NM_001321937.2); c.-323-100617A>G (NM_001321944.1); c.-170-88003A>G (NM_001321943.1); and 7 more; short protein forms M1V.
Identifiers: ClinVar variation 3040691 (VCV003040691.2), dbSNP rs59147558, ClinGen allele CA255313300.
Genomic context (GRCh38, chr13:102,293,980, plus strand): 5'-ATATGATACAATAATACACAAATTGAGTGCACAGAGGGGGAAAAATCATGCAACCTGTCA[T>C]AGGTACAGCGATATTCCATGAGTATTCAGGGCTGGAGATGTAGAAGTAGAAACCTGAAAT-3'

ClinVar aggregate classification (germline): Likely benign (0 of 4 stars; one submission).

Conditions:
FGF14-related disorder. Also called: FGF14-related condition.

Allele frequency attached by ClinVar (database versions not stated): gnomAD 0.01275; 1000 Genomes Project 0.01558; 1000 Genomes Project 30x 0.01608; TOPMed 0.01437.

Submission:

PreventionGenetics, part of Exact Sciences
Classification: Likely benign for FGF14-related condition. Last evaluated: 2022-02-10. Review status: no assertion criteria provided. Collection method: clinical testing. Allele origin: germline.
Comment: This variant is classified as likely benign based on ACMG/AMP sequence variant interpretation guidelines (Richards et al. 2015 PMID: 25741868, with internal and published modifications).